The following is an entry in ClinVar:

ClinVar aggregate classification (germline): Conflicting classifications of pathogenicity. Review status: criteria provided, conflicting classifications (1 of 4 stars). 11 submissions from 11 submitters: Uncertain significance (9); Likely benign (1). 1 of the submissions does not count toward it. Last evaluated 2026-01-06.

Conditions:
Malignant tumor of pancreas. Also called: Malignant pancreatic neoplasm; Pancreatic cancer; Cancer of the pancreas. Identifiers: MedGen C0346647, MONDO:0009831.
Pancreatic intraductal papillary-mucinous neoplasm. Identifiers: MedGen C4511687, MONDO:0004286, HP:6000657.
Hereditary cancer-predisposing syndrome. Also called: Hereditary neoplastic syndrome; Hereditary Cancer Syndrome; Neoplastic Syndromes, Hereditary; Tumor predisposition. Identifiers: Orphanet 140162, MedGen C0027672, MeSH D009386, MONDO:0015356.
Hereditary nonpolyposis colorectal neoplasms. Identifiers: MedGen C0009405, MeSH D003123.
Lynch syndrome. Identifiers: Orphanet 144, MedGen C4552100, MONDO:0005835. Disease mechanism: loss of function.
Lynch syndrome 5 (LYNCH5). Also called: Hereditary non-polyposis colorectal cancer, type 5; Colorectal cancer, hereditary nonpolyposis, type 5. Identifiers: Orphanet 144, MedGen C1833477, MONDO:0013710, OMIM 614350. Disease mechanism: loss of function.
Endometrial carcinoma. Also called: Endometrial carcinoma, somatic. Identifiers: MedGen C0476089, MONDO:0002447, OMIM 608089, HP:0012114.

Allele frequency attached by ClinVar (database versions not stated): ExAC 0.00002; gnomAD exomes 0.00002 and 0.00003; TOPMed 0.00002; gnomAD 0.00003; ESP Exome Variant Server 0.00008.
gnomAD v4.1: 46 of 1,614,022 alleles (0.0029%); highest among the groups gnomAD compares: South Asian, 0.0044%; no homozygotes.

Submissions (11):

Labcorp Genetics (formerly Invitae), Labcorp
Classification: Likely benign for Hereditary nonpolyposis colorectal neoplasms. Last evaluated: 2026-01-06. Review status: criteria provided, single submitter. Criteria: Invitae Variant Classification Sherloc (09022015). Collection method: clinical testing. Allele origin: germline.

Ambry Genetics
Classification: Uncertain significance for Hereditary cancer-predisposing syndrome. Last evaluated: 2025-11-19. Review status: criteria provided, single submitter. Criteria: Ambry Variant Classification Scheme 2023. Collection method: clinical testing. Allele origin: germline.
Comment: The p.Y1066C variant (also known as c.3197A>G), located in coding exon 5 of the MSH6 gene, results from an A to G substitution at nucleotide position 3197. The tyrosine at codon 1066 is replaced by cysteine, an amino acid with highly dissimilar properties. In one study, this variant was detected in 0/165 colorectal cancer and/or polyposis patients and was identified in 1/2512 control individuals from a healthy population database (Rosenthal EA et al. Hum Genet, 2018 Oct;137:795-806). Additionally, in a study of whole-exome sequencing in patients with features of Cowden syndrome (CS) or Bannayan-Riley-Ruvalcaba syndrome (BRRS) and negative PTEN testing, this alteration was identified in 0/87 patients with CS or BRRS and 1/3476 patients from The Cancer Genome Atlas (TCGA) (Yehia L et al. PLoS Genet, 2018 04;14:e1007352). This amino acid position is well conserved in available vertebrate species. In addition, this alteration is predicted to be deleterious by in silico analysis. Since supporting evidence is limited at this time, the clinical significance of this alteration remains unclear.

Quest Diagnostics Nichols Institute San Juan Capistrano
Classification: Uncertain significance. Last evaluated: 2025-05-28. Review status: criteria provided, single submitter. Criteria: Quest Diagnostics criteria. Collection method: clinical testing. Allele origin: unknown.
Comment: The MSH6 c.3197A>G (p.Tyr1066Cys) variant has been reported in the published literature in individuals with renal papillary cell carcinoma (PMID: 36451132 (2022)), prostate adenocarcinoma (PMID: 29625052 (2018), 36451132 (2022)), glioblastoma multiforme (PMID: 36451132 (2022), 26689913 (2015)), pancreatic ductal adenocarcinoma (PMID: 35171259 (2022)), breast cancer (PMID: 33471991 (2021), see also LOVD) and in reportedly unaffected individuals (PMID: 36243179 (2022), 33471991 (2021), see also LOVD). The frequency of this variant in the general population (Genome Aggregation Database) is uninformative in the assessment of its pathogenicity. Analysis of this variant using bioinformatics tools for the prediction of the effect of amino acid changes on protein structure and function yielded predictions that this variant is damaging. Based on the available information, we are unable to determine the clinical significance of this variant.

Molecular Pathology, Peter Maccallum Cancer Centre
Classification: Uncertain significance for Lynch syndrome 5. Last evaluated: 2025-02-07. Review status: criteria provided, single submitter. Criteria: ACMG Guidelines, 2015. Collection method: clinical testing. Allele origin: germline. Inheritance: Autosomal dominant inheritance.

All of Us Research Program, National Institutes of Health
Classification: Uncertain significance for Lynch syndrome. Last evaluated: 2024-09-16. Review status: criteria provided, single submitter. Criteria: ACMG Guidelines, 2015. Collection method: clinical testing. Allele origin: germline. Inheritance: Autosomal dominant inheritance. Observed: 7 variant alleles, 7 heterozygotes.
Comment: This missense variant replaces tyrosine with cysteine at codon 1066 of the MSH6 protein. Computational prediction suggests that this variant may have deleterious impact on protein structure and function (internally defined REVEL score threshold >= 0.7, PMID: 27666373). This variant has been reported in an individual affected with glioblastoma multiforme (PMID: 26689913), an individual affected with kidney cancer (PMID: 29684080), and an individual affected with pancreatic cancer (PMID: 35171259). This variant has been identified in 5/251354 chromosomes in the general population by the Genome Aggregation Database (gnomAD). The available evidence is insufficient to determine the role of this variant in disease conclusively. Therefore, this variant is classified as a Variant of Uncertain Significance.

This study involves interpretation of variants in research participants for the purpose of population health screening. Participant phenotype was not available at the time of variant classification. Additional details can be found in publication PMID: 35346344, PMCID: PMC8962531

Color Diagnostics, LLC DBA Color Health
Classification: Uncertain significance for Hereditary cancer-predisposing syndrome. Last evaluated: 2024-08-13. Review status: criteria provided, single submitter. Criteria: ACMG Guidelines, 2015. Collection method: clinical testing. Allele origin: germline.
Comment: This missense variant replaces tyrosine with cysteine at codon 1066 of the MSH6 protein. Computational prediction suggests that this variant may have deleterious impact on protein structure and function (internally defined REVEL score threshold >= 0.7, PMID: 27666373). This variant has been reported in an individual affected with glioblastoma multiforme (PMID: 26689913), an individual affected with kidney cancer (PMID: 29684080), and an individual affected with pancreatic cancer (PMID: 35171259). This variant has been identified in 5/251354 chromosomes in the general population by the Genome Aggregation Database (gnomAD). The available evidence is insufficient to determine the role of this variant in disease conclusively. Therefore, this variant is classified as a Variant of Uncertain Significance.

GeneDx
Classification: Uncertain significance. Last evaluated: 2024-06-13. Review status: criteria provided, single submitter. Criteria: GeneDx Variant Classification Process June 2021. Collection method: clinical testing. Allele origin: germline. Affected: yes.
Comment: Not observed at significant frequency in large population cohorts (gnomAD); In silico analysis supports that this missense variant has a deleterious effect on protein structure/function; Identified in individuals with glioblastoma, papillary renal carcinoma, breast and other cancers, as well as in health control groups (PMID: 29625052, 26689913, 30267214, 29684080, 35171259, 38416847, 33471991, 36451132, 36243179); This variant is associated with the following publications: (PMID: 23621914, 28873162, 30267214, 29625052, 26689913, 29684080, 17531815, 21120944, 35171259, 36451132, 33471991, 38416847, 36243179)

Baylor Genetics
Classification: Uncertain significance for Endometrial carcinoma. Last evaluated: 2024-03-08. Review status: criteria provided, single submitter. Criteria: ACMG Guidelines, 2015. Collection method: clinical testing. Allele origin: unknown.

Women's Health and Genetics/Laboratory Corporation of America, LabCorp
Classification: Uncertain significance. Last evaluated: 2023-10-19. Review status: criteria provided, single submitter. Criteria: LabCorp Variant Classification Summary - May 2015. Collection method: clinical testing. Allele origin: germline.
Comment: Variant summary: MSH6 c.3197A>G (p.Tyr1066Cys) results in a non-conservative amino acid change located in the DNA mismatch repair protein MutS, core (IPR007696) of the encoded protein sequence. Five of five in-silico tools predict a damaging effect of the variant on protein function. The variant allele was found at a frequency of 2e-05 in 251354 control chromosomes (gnomAD). The available data on variant occurrences in the general population are insufficient to allow any conclusion about variant significance. c.3197A>G has been reported in the literature in individuals affected with cancers including breast, prostate, and pancreatic cancer as well as unaffected controls (Huang_2018, Dorling_2021, Yin_2022). These reports do not provide unequivocal conclusions about association of the variant with Lynch Syndrome. To our knowledge, no experimental evidence demonstrating an impact on protein function has been reported. The following publications have been ascertained in the context of this evaluation (PMID: 33471991, 29625052, 35171259). Four submitters have cited clinical-significance assessments for this variant to ClinVar after 2014. All submitters classified the variant as uncertain significance. Based on the evidence outlined above, the variant was classified as uncertain significance.

Department of Pathology and Laboratory Medicine, Sinai Health System
Classification: Uncertain significance for Lynch syndrome. Last evaluated: 2022-10-04. Review status: criteria provided, single submitter. Criteria: ACMG Guidelines, 2015. Collection method: clinical testing. Allele origin: germline. Affected: yes.

Department of Surgery, Hoshi General Hospital
Classification: Uncertain significance for Hereditary cancer-predisposing syndrome; Malignant tumor of pancreas; Pancreatic intraductal papillary-mucinous neoplasm. Last evaluated: 2026-04-29. Review status: no assertion criteria provided. Collection method: clinical testing. Allele origin: germline. Inheritance: Autosomal dominant inheritance. Affected: yes. Observed: 1 variant allele, 1 heterozygote. Not counted in ClinVar's aggregate classification.
Comment: Immunohistochemical analysis demonstrated heterogeneous loss of MSH6 expression in tumor tissue. A somatic MSH6 variant was identified in tumor tissue, including regions with reduced or absent MSH6 expression, suggesting a possible second hit consistent with the two-hit hypothesis for mismatch repair gene-associated tumorigenesis. Multiple in silico prediction tools suggested a deleterious effect of this variant. However, due to the lack of functional validation and the limited number of reported cases, this variant is currently classified as a Variant of Uncertain Significance.

Literature cited by the submitters: PubMed 29684080 (cited by 4 submitters); PubMed 30267214 (cited by Ambry Genetics and Quest Diagnostics Nichols Institute San Juan Capistrano); PubMed 35171259 (cited by 4 submitters); PubMed 33471991 (cited by Quest Diagnostics Nichols Institute San Juan Capistrano and Women's Health and Genetics/Laboratory Corporation of America, LabCorp); PubMed 29625052 (cited by Quest Diagnostics Nichols Institute San Juan Capistrano and Women's Health and Genetics/Laboratory Corporation of America, LabCorp); PubMed 26689913 (cited by 4 submitters); PubMed 36451132 (cited by Quest Diagnostics Nichols Institute San Juan Capistrano); PubMed 36243179 (cited by Quest Diagnostics Nichols Institute San Juan Capistrano); PubMed 38416847 (cited by Department of Surgery, Hoshi General Hospital).

NM_000179.3(MSH6):c.3197A>G (p.Tyr1066Cys)

Gene: MSH6 (mutS homolog 6; plus strand). Cytogenetic location: 2p16.3.
Variant type: single nucleotide variant.
Coding change: c.3197A>G on transcript NM_000179.3 (MANE Select); coding-DNA position 3197, A replaced by G.
Protein change: p.Tyr1066Cys; replaces tyrosine 1066 with cysteine.
Molecular consequence: missense variant.
Genome position (GRCh38, 1-based): chr2:47,803,444, A>G. VCF-style: chr2-47803444-A-G. GRCh37 (hg19) VCF-style: chr2-48030583-A-G.
Other names: c.2807A>G, p.Tyr936Cys (NM_001281492.2); c.2291A>G, p.Tyr764Cys (NM_001281493.2, NM_001281494.2); short protein forms Y1066C, Y936C, Y764C.
Identifiers: ClinVar variation 142270 (VCV000142270.32), dbSNP rs372103816, ClinGen allele CA011852.